The following is an entry in ClinVar:

NM_000059.4(BRCA2):c.3254A>C (p.His1085Pro)

Gene: BRCA2 (BRCA2 DNA repair associated; plus strand). Cytogenetic location: 13q13.1.
Variant type: single nucleotide variant.
Coding change: c.3254A>C on transcript NM_000059.4 (MANE Select); coding-DNA position 3254, A replaced by C.
Protein change: p.His1085Pro; replaces histidine 1085 with proline.
Molecular consequence: missense variant.
Genome position (GRCh38, 1-based): chr13:32,337,609, A>C. VCF-style: chr13-32337609-A-C. GRCh37 (hg19) VCF-style: chr13-32911746-A-C.
Other names: short protein forms H1085P.
Identifiers: ClinVar variation 409540 (VCV000409540.11), dbSNP rs80358570, ClinGen allele CA16613945.

ClinVar aggregate classification (germline): Conflicting classifications of pathogenicity. Review status: criteria provided, conflicting classifications (1 of 4 stars). 3 submissions from 3 submitters: Uncertain significance (2); Likely benign (1). Last evaluated 2024-03-15.

Conditions:
Hereditary breast ovarian cancer syndrome. Also called: Hereditary breast and ovarian cancer syndrome; Hereditary breast and/or ovarian cancer syndrome; BRCA1- and BRCA2-Associated Hereditary Breast and Ovarian Cancer; Hereditary breast and ovarian cancer syndrome (HBOC); Hereditary breast and ovarian cancer; Breast and ovarian cancer. Identifiers: Orphanet 145, MedGen C0677776, MeSH D061325, MONDO:0003582. Disease mechanism: loss of function.
Breast-ovarian cancer, familial, susceptibility to, 2 (BROVCA2). Also called: BRCA2 Hereditary Breast and Ovarian Cancer. Identifiers: Orphanet 145, MedGen C2675520, MONDO:0012933, OMIM 612555. Disease mechanism: loss of function.
Hereditary cancer-predisposing syndrome. Also called: Hereditary neoplastic syndrome; Neoplastic Syndromes, Hereditary; Tumor predisposition; Hereditary Cancer Syndrome. Identifiers: Orphanet 140162, MedGen C0027672, MeSH D009386, MONDO:0015356.

Submissions (3):

Labcorp Genetics (formerly Invitae), Labcorp
Classification: Uncertain significance for Hereditary breast ovarian cancer syndrome. Last evaluated: 2024-03-15. Review status: criteria provided, single submitter. Criteria: Invitae Variant Classification Sherloc (09022015). Collection method: clinical testing. Allele origin: germline.
Comment: This sequence change replaces histidine, which is basic and polar, with proline, which is neutral and non-polar, at codon 1085 of the BRCA2 protein (p.His1085Pro). This variant is not present in population databases (gnomAD no frequency). This variant has not been reported in the literature in individuals affected with BRCA2-related conditions. ClinVar contains an entry for this variant (Variation ID: 409540). Advanced modeling of protein sequence and biophysical properties (such as structural, functional, and spatial information, amino acid conservation, physicochemical variation, residue mobility, and thermodynamic stability) performed at Invitae indicates that this missense variant is not expected to disrupt BRCA2 protein function with a negative predictive value of 95%. In summary, the available evidence is currently insufficient to determine the role of this variant in disease. Therefore, it has been classified as a Variant of Uncertain Significance.

All of Us Research Program, National Institutes of Health
Classification: Uncertain significance for Breast-ovarian cancer, familial, susceptibility to, 2. Last evaluated: 2023-12-18. Review status: criteria provided, single submitter. Criteria: ACMG Guidelines, 2015. Collection method: clinical testing. Allele origin: germline. Inheritance: Autosomal dominant inheritance. Observed: 1 variant allele, 1 heterozygote.
Comment: This missense variant replaces histidine with proline at codon 1085 of the BRCA2 protein. Computational prediction suggests that this variant may not impact protein structure and function (internally defined REVEL score threshold <= 0.5, PMID: 27666373). To our knowledge, functional studies have not been reported for this variant. This variant has not been reported in individuals affected with BRCA2-related disorders in the literature. This variant has not been identified in the general population by the Genome Aggregation Database (gnomAD). The available evidence is insufficient to determine the role of this variant in disease conclusively. Therefore, this variant is classified as a Variant of Uncertain Significance.

This study involves interpretation of variants in research participants for the purpose of population health screening. Participant phenotype was not available at the time of variant classification. Additional details can be found in publication PMID: 35346344, PMCID: PMC8962531

University of Washington Department of Laboratory Medicine, University of Washington
Classification: Likely benign for Hereditary cancer-predisposing syndrome. Last evaluated: 2023-03-23. Review status: criteria provided, single submitter. Criteria: Dines et al. (Genet Med. 2020). Collection method: curation. Allele origin: germline.
Comment: Missense variant in a coldspot region where missense variants are very unlikely to be pathogenic (PMID:31911673).

BRCA2 exon 11 coldspot. Reclassification based on statistical prior probability.